The following is an entry in ClinVar:

ClinVar aggregate classification (germline): Uncertain significance (1 of 4 stars; one submission).

Conditions:
Cardiovascular phenotype. Identifiers: MedGen CN230736.

Submission:

Ambry Genetics
Classification: Uncertain significance for Cardiovascular phenotype. Last evaluated: 2025-10-09. Review status: criteria provided, single submitter. Criteria: Ambry Variant Classification Scheme 2023. Collection method: clinical testing. Allele origin: germline.
Comment: The c.274-5T>G intronic variant results from a T to G substitution 5 nucleotides upstream from coding exon 3 in the DSP gene. This nucleotide position is not well conserved in available vertebrate species. In silico splice site analysis predicts that this alteration will not have any significant effect on splicing. Based on the available evidence, the clinical significance of this variant remains unclear.

NM_004415.4(DSP):c.274-5T>G

Gene: DSP (desmoplakin; plus strand). Cytogenetic location: 6p24.3.
Variant type: single nucleotide variant.
Coding change: c.274-5T>G on transcript NM_004415.4 (MANE Select); 5 bases into the intron before coding-DNA position 274, T replaced by G.
Molecular consequence: intron variant.
Genome position (GRCh38, 1-based): chr6:7,558,111, T>G. VCF-style: chr6-7558111-T-G. GRCh37 (hg19) VCF-style: chr6-7558344-T-G.
Other names: c.274-5T>G (NM_001319034.2, NM_001008844.3, NM_001406591.1).
Identifiers: ClinVar variation 4614035 (VCV004614035.1).